The following is an entry in ClinVar:

NM_003238.6(TGFB2):c.892C>T (p.Arg298Trp)

Gene: TGFB2 (transforming growth factor beta 2; plus strand). Cytogenetic location: 1q41.
Variant type: single nucleotide variant.
Coding change: c.892C>T on transcript NM_003238.6 (MANE Select); coding-DNA position 892, C replaced by T.
Protein change: p.Arg298Trp; replaces arginine 298 with tryptophan.
Molecular consequence: missense variant. On other transcripts: non-coding transcript variant (2).
Genome position (GRCh38, 1-based): chr1:218,436,107, C>T. VCF-style: chr1-218436107-C-T. GRCh37 (hg19) VCF-style: chr1-218609449-C-T.
Other names: c.976C>T, p.Arg326Trp (NM_001135599.4); short protein forms R298W, R326W.
Identifiers: ClinVar variation 1765148 (VCV001765148.3), dbSNP rs1200175663, ClinGen allele CA344727291.

ClinVar aggregate classification (germline): Uncertain significance. Review status: criteria provided, multiple submitters, no conflicts (2 of 4 stars). 2 submissions from 2 submitters: Uncertain significance (2). Last evaluated 2024-06-03.

Conditions:
Familial thoracic aortic aneurysm and aortic dissection (TAAD). Also called: Thoracic aortic aneurysms and dissections. Identifiers: Orphanet 91387, MedGen C4707243, MONDO:0019625.
Loeys-Dietz syndrome 4 (LDS4). Also called: ANEURYSM, AORTIC AND CEREBRAL, WITH ARTERIAL TORTUOSITY AND SKELETAL MANIFESTATIONS; TGFB2-Related Loeys-Dietz Syndrome. Identifiers: MedGen C3553762, MONDO:0013897, OMIM 614816.

Allele frequency attached by ClinVar (database versions not stated): gnomAD exomes below 0.00001; gnomAD 0.00001; TOPMed 0.00001.
gnomAD v4.1: 3 of 1,613,610 alleles (0.00019%); highest among the groups gnomAD compares: Non-Finnish European, 0.00025%; no homozygotes.

Submissions (2):

Labcorp Genetics (formerly Invitae), Labcorp
Classification: Uncertain significance for Loeys-Dietz syndrome 4. Last evaluated: 2024-06-03. Review status: criteria provided, single submitter. Criteria: Invitae Variant Classification Sherloc (09022015). Collection method: clinical testing. Allele origin: germline.
Comment: This sequence change replaces arginine, which is basic and polar, with tryptophan, which is neutral and slightly polar, at codon 298 of the TGFB2 protein (p.Arg298Trp). This variant is present in population databases (no rsID available, gnomAD 0.0008%). This variant has not been reported in the literature in individuals affected with TGFB2-related conditions. ClinVar contains an entry for this variant (Variation ID: 1765148). Advanced modeling of protein sequence and biophysical properties (such as structural, functional, and spatial information, amino acid conservation, physicochemical variation, residue mobility, and thermodynamic stability) performed at Invitae indicates that this missense variant is not expected to disrupt TGFB2 protein function with a negative predictive value of 80%. In summary, the available evidence is currently insufficient to determine the role of this variant in disease. Therefore, it has been classified as a Variant of Uncertain Significance.

Ambry Genetics
Classification: Uncertain significance for Familial thoracic aortic aneurysm and aortic dissection. Last evaluated: 2022-07-25. Review status: criteria provided, single submitter. Criteria: Ambry Variant Classification Scheme 2023. Collection method: clinical testing. Allele origin: germline.
Comment: The p.R298W variant (also known as c.892C>T), located in coding exon 5 of the TGFB2 gene, results from a C to T substitution at nucleotide position 892. The arginine at codon 298 is replaced by tryptophan, an amino acid with dissimilar properties. This amino acid position is conserved. In addition, the in silico prediction for this alteration is inconclusive. Since supporting evidence is limited at this time, the clinical significance of this alteration remains unclear.